The following is an entry in ClinVar:

NM_030662.4(MAP2K2):c.343A>G (p.Ile115Val)

Gene: MAP2K2 (mitogen-activated protein kinase kinase 2; minus strand). Cytogenetic location: 19p13.3.
Variant type: single nucleotide variant.
Coding change: c.343A>G on transcript NM_030662.4 (MANE Select); coding-DNA position 343, A replaced by G.
Protein change: p.Ile115Val; replaces isoleucine 115 with valine.
Molecular consequence: missense variant.
Genome position (GRCh38, 1-based): chr19:4,110,616, T>C on the plus strand (A>G on the coding strand, the complement: MAP2K2 is on the minus strand). VCF-style: chr19-4110616-T-C. GRCh37 (hg19) VCF-style: chr19-4110614-T-C.
Other names: c.343A>G, p.Ile115Val (NM_001440688.1); short protein forms I115V.
Identifiers: ClinVar variation 4103127 (VCV004103127.1).

ClinVar aggregate classification (germline): Uncertain significance (1 of 4 stars; one submission).

Conditions:
Cardiovascular phenotype. Identifiers: MedGen CN230736.

gnomAD v4.1: 12 of 1,613,712 alleles (0.00074%); no homozygotes.

Submission:

Ambry Genetics
Classification: Uncertain significance for Cardiovascular phenotype. Last evaluated: 2025-06-28. Review status: criteria provided, single submitter. Criteria: Ambry Variant Classification Scheme 2023. Collection method: clinical testing. Allele origin: germline.
Comment: The p.I115V variant (also known as c.343A>G), located in coding exon 3 of the MAP2K2 gene, results from an A to G substitution at nucleotide position 343. The isoleucine at codon 115 is replaced by valine, an amino acid with highly similar properties. This amino acid position is conserved. In addition, the in silico prediction for this alteration is inconclusive. Based on the available evidence, the clinical significance of this variant remains unclear.